The following is an entry in ClinVar:

NM_001130021.3(ATP6V0A1):c.1166T>G (p.Ile389Arg)

Gene: ATP6V0A1 (ATPase H+ transporting V0 subunit a1; plus strand). Cytogenetic location: 17q21.2.
Variant type: single nucleotide variant.
Coding change: c.1166T>G on transcript NM_001130021.3 (MANE Select); coding-DNA position 1166, T replaced by G.
Protein change: p.Ile389Arg; replaces isoleucine 389 with arginine.
Molecular consequence: missense variant.
Genome position (GRCh38, 1-based): chr17:42,490,629, T>G. VCF-style: chr17-42490629-T-G. GRCh37 (hg19) VCF-style: chr17-40642647-T-G.
Other names: c.956T>G, p.Ile319Arg (NM_001378545.1, NM_001378554.1); c.953T>G, p.Ile318Arg (NM_001378546.1, NM_001378547.1); c.1166T>G, p.Ile389Arg (NM_001378548.1, NM_001378557.1, NM_005177.5 and 4 more transcripts); c.986T>G, p.Ile329Arg (NM_001378549.1); c.1058T>G, p.Ile353Arg (NM_001378550.1, NM_001378556.1, NM_001378536.1); c.1289T>G, p.Ile430Arg (NM_001378551.1, NM_001378552.1, NM_001378530.1 and 1 more transcripts); c.1187T>G, p.Ile396Arg (NM_001130020.3, NM_001378522.1, NM_001378523.1 and 3 more transcripts); c.1310T>G, p.Ile437Arg (NM_001378531.1, NM_001378532.1); and 2 more; short protein forms I318R, I319R, I329R, I336R, I346R, I353R, I389R, I396R.
Identifiers: ClinVar variation 3367810 (VCV003367810.2).
Genomic context (GRCh38, chr17:42,490,629, plus strand): 5'-AGTTTACCTATGGCTTTCAGAACATAGTAGATGCTTATGGAATTGGAACTTACCGAGAGA[T>G]AAATCCAGGTAAAAAAAAGCTTGTTATCTTTTTCCTCTAGAGTTTTTTTTGTTTGTTTGG-3'
Protein context (NP_001123493.1, residues 379-399): DAYGIGTYRE[Ile389Arg]NPAPYTIITF

ClinVar aggregate classification (germline): Uncertain significance (1 of 4 stars; one submission).

gnomAD v4.1: 1 of 1,582,700 alleles (0.000063%); highest among the groups gnomAD compares: Non-Finnish European, 0.000085%; no homozygotes.

Submission:

GeneDx
Classification: Uncertain significance. Last evaluated: 2026-07-16. Review status: criteria provided, single submitter. Criteria: GeneDx Variant Classification Process June 2021. Collection method: clinical testing. Allele origin: germline.
Comment: Not observed at significant frequency in large population cohorts (gnomAD); In silico analysis supports that this missense variant has a deleterious effect on protein structure/function; Has not been previously published as pathogenic or benign to our knowledge